The following is an entry in ClinVar:

ClinVar aggregate classification (germline): Uncertain significance (1 of 4 stars; one submission).

Conditions:
Cardiovascular phenotype. Identifiers: MedGen CN230736.

Allele frequency attached by ClinVar (database versions not stated): gnomAD exomes below 0.00001.
gnomAD v4.1: 2 of 1,614,232 alleles (0.00012%); highest among the groups gnomAD compares: South Asian, 0.0011%; no homozygotes.

Submission:

Ambry Genetics
Classification: Uncertain significance for Cardiovascular phenotype. Last evaluated: 2024-03-01. Review status: criteria provided, single submitter. Criteria: Ambry Variant Classification Scheme 2023. Collection method: clinical testing. Allele origin: germline.
Comment: The p.P1370S variant (also known as c.4108C>T), located in coding exon 28 of the ABCA1 gene, results from a C to T substitution at nucleotide position 4108. The proline at codon 1370 is replaced by serine, an amino acid with similar properties. This amino acid position is conserved. In addition, this alteration is predicted to be deleterious by in silico analysis. Based on the available evidence, the clinical significance of this alteration remains unclear.

NM_005502.4(ABCA1):c.4108C>T (p.Pro1370Ser)

Genes: ABCA1 (ATP binding cassette subfamily A member 1; minus strand), LOC121331340 (Sharpr-MPRA regulatory region 1797; plus strand). Cytogenetic location: 9q31.1.
Variant type: single nucleotide variant.
Coding change: c.4108C>T on transcript NM_005502.4 (MANE Select); coding-DNA position 4108, C replaced by T.
Protein change: p.Pro1370Ser; replaces proline 1370 with serine.
Molecular consequence: missense variant.
Genome position (GRCh38, 1-based): chr9:104,810,867, G>A on the plus strand (C>T on the coding strand, the complement: ABCA1 is on the minus strand). VCF-style: chr9-104810867-G-A. GRCh37 (hg19) VCF-style: chr9-107573148-G-A.
Other names: short protein forms P1370S.
Identifiers: ClinVar variation 3224751 (VCV003224751.1), dbSNP rs2538107520, ClinGen allele CA374316844.
Genomic context (GRCh38, chr9:104,810,867, plus strand): 5'-ATGTGTACTGTTCGTTGTACATCCAGGGCTGAAGTTCCAGGCTGGGGTACTTGCCAAAGG[G>A]TGGCACGATCAGGCTGAACACAAGGGCAATGCAGACAAACACAGCTGGCAAGACAATCTT-3'
Protein context (NP_005493.2, residues 1360-1380): IALVFSLIVP[Pro1370Ser]FGKYPSLELQ